The following is an entry in ClinVar:

ClinVar aggregate classification (germline): Benign. Review status: criteria provided, multiple submitters, no conflicts (2 of 4 stars). 3 submissions from 3 submitters: Benign (2). 1 of the submissions does not count toward it. Last evaluated 2019-12-31.

Conditions:
ARHGAP32-related disorder. Also called: ARHGAP32-related condition.

Allele frequency attached by ClinVar (database versions not stated): gnomAD exomes 0.00080 and 0.00221; ExAC 0.00246; gnomAD 0.00773 and 0.00822; TOPMed 0.00907; 1000 Genomes Project 0.00919; ESP Exome Variant Server 0.00923; 1000 Genomes Project 30x 0.00937.
gnomAD v4.1: 2,378 of 1,613,970 alleles (0.15%); highest among the groups gnomAD compares: African/African-American, 2.8%; 33 homozygotes.

Submissions (3):

Labcorp Genetics (formerly Invitae), Labcorp
Classification: Benign. Last evaluated: 2019-12-31. Review status: criteria provided, single submitter. Criteria: Invitae Variant Classification Sherloc (09022015). Collection method: clinical testing. Allele origin: germline.

Breakthrough Genomics
Classification: Benign. Review status: criteria provided, single submitter. Criteria: ACMG Guidelines, 2015. Collection method: not provided. Allele origin: germline. Inheritance: Unknown mechanism. Affected: yes.

PreventionGenetics, part of Exact Sciences
Classification: Benign for ARHGAP32-related condition. Last evaluated: 2019-02-19. Review status: no assertion criteria provided. Collection method: clinical testing. Allele origin: germline. Not counted in ClinVar's aggregate classification.
Comment: This variant is classified as benign based on ACMG/AMP sequence variant interpretation guidelines (Richards et al. 2015 PMID: 25741868, with internal and published modifications).

NM_001378024.1(ARHGAP32):c.3685T>C (p.Ser1229Pro)

Gene: ARHGAP32 (Rho GTPase activating protein 32; minus strand). Cytogenetic location: 11q24.3.
Variant type: single nucleotide variant.
Coding change: c.3685T>C on transcript NM_001378024.1 (MANE Select); coding-DNA position 3685, T replaced by C.
Protein change: p.Ser1229Pro; replaces serine 1229 with proline.
Molecular consequence: missense variant.
Genome position (GRCh38, 1-based): chr11:128,972,821, A>G on the plus strand (T>C on the coding strand, the complement: ARHGAP32 is on the minus strand). VCF-style: chr11-128972821-A-G. GRCh37 (hg19) VCF-style: chr11-128842716-A-G.
Other names: c.3643T>C, p.Ser1215Pro (NM_001142685.2); c.3523T>C, p.Ser1175Pro (NM_001378025.1); c.2596T>C, p.Ser866Pro (NM_014715.4); short protein forms S1215P, S866P, S1175P, S1229P.
Identifiers: ClinVar variation 789044 (VCV000789044.7), dbSNP rs112411848, ClinGen allele CA6358727.
Genomic context (GRCh38, chr11:128,972,821, plus strand): 5'-GAGATTTGTCTGCAAATTCTAAAGGGTGATGGAGTTTATCCACACTTGCACCAAGATAAG[A>G]AGGAGGCTGATCTCCACTGTAGAAACGGGGTGGAGACTGGTCCTGATCCAAGAAGGAGAC-3'
Protein context (NP_001364953.1, residues 1219-1239): PRFYSGDQPP[Ser1229Pro]YLGASVDKLH